The following is an entry in ClinVar:

ClinVar aggregate classification (germline): Pathogenic. Review status: criteria provided, multiple submitters, no conflicts (2 of 4 stars). 5 submissions from 5 submitters: Pathogenic (5). Last evaluated 2026-01-05.

Conditions:
Inborn genetic diseases. Identifiers: MedGen C0950123, MeSH D030342.
KBG syndrome (KBGS). Also called: ANKRD11-Related KBG Syndrome. Identifiers: Orphanet 2332, MedGen C0220687, MONDO:0007846, OMIM 148050.

Submissions (5):

Ambry Genetics
Classification: Pathogenic for Inborn genetic diseases. Last evaluated: 2026-01-05. Review status: criteria provided, single submitter. Criteria: Ambry Variant Classification Scheme 2023. Collection method: clinical testing. Allele origin: germline.
Comment: The c.160C>T (p.R54*) alteration, located in exon 4 (coding exon 2) of the ANKRD11 gene, consists of a C to T substitution at nucleotide position 160. This changes the amino acid from a arginine (R) to a stop codon at amino acid position 54. This alteration is expected to result in loss of function by premature protein truncation or nonsense-mediated mRNA decay. This variant was not reported in population-based cohorts in the Genome Aggregation Database (gnomAD). Based on the available evidence, this alteration is classified as pathogenic.

GeneDx
Classification: Pathogenic. Last evaluated: 2025-04-18. Review status: criteria provided, single submitter. Criteria: GeneDx Variant Classification Process June 2021. Collection method: clinical testing. Allele origin: germline. Affected: yes.
Comment: Nonsense variant predicted to result in protein truncation or nonsense mediated decay in a gene for which loss of function is a known mechanism of disease; Not observed at significant frequency in large population cohorts (gnomAD); Has not been previously published as pathogenic or benign to our knowledge; This variant is associated with the following publications: (PMID: 21782149, 25413698, 25652421, 25125236)

Clinical Genetics and Genomics, Karolinska University Hospital
Classification: Pathogenic for KBG syndrome. Last evaluated: 2024-04-04. Review status: criteria provided, single submitter. Criteria: Strehlow et al. (Brain. 2019). Collection method: clinical testing. Allele origin: germline. Inheritance: Autosomal dominant inheritance. Affected: yes.

Institute of Human Genetics, University of Leipzig Medical Center
Classification: Pathogenic for KBG syndrome. Last evaluated: 2023-05-08. Review status: criteria provided, single submitter. Criteria: ACMG Guidelines, 2015. Collection method: clinical testing. Allele origin: unknown. Inheritance: Autosomal dominant inheritance. Affected: yes.
Comment: Criteria applied: PVS1,PS4_MOD,PM2_SUP

Labcorp Genetics (formerly Invitae), Labcorp
Classification: Pathogenic for KBG syndrome. Last evaluated: 2019-06-19. Review status: criteria provided, single submitter. Criteria: Invitae Variant Classification Sherloc (09022015). Collection method: clinical testing. Allele origin: germline.
Comment: For these reasons, this variant has been classified as Pathogenic. Loss-of-function variants in ANKRD11 are known to be pathogenic (PMID: 21782149, 25125236, 25413698, 25652421). This variant has not been reported in the literature in individuals with ANKRD11-related conditions. ClinVar contains an entry for this variant (Variation ID: 546032). This variant is not present in population databases (ExAC no frequency). This sequence change creates a premature translational stop signal (p.Arg54*) in the ANKRD11 gene. It is expected to result in an absent or disrupted protein product.

Literature cited by the submitters: PubMed 21782149 (cited by Labcorp Genetics (formerly Invitae), Labcorp); PubMed 25125236 (cited by Labcorp Genetics (formerly Invitae), Labcorp); PubMed 25413698 (cited by Labcorp Genetics (formerly Invitae), Labcorp); PubMed 25652421 (cited by Labcorp Genetics (formerly Invitae), Labcorp).

NM_013275.6(ANKRD11):c.160C>T (p.Arg54Ter)

Gene: ANKRD11 (ankyrin repeat domain 11; minus strand). Cytogenetic location: 16q24.3.
Variant type: single nucleotide variant.
Coding change: c.160C>T on transcript NM_013275.6 (MANE Select); coding-DNA position 160, C replaced by T.
Protein change: p.Arg54Ter; replaces arginine 54 with a stop codon.
Molecular consequence: nonsense. On other transcripts: non-coding transcript variant (1).
Genome position (GRCh38, 1-based): chr16:89,305,272, G>A on the plus strand (C>T on the coding strand, the complement: ANKRD11 is on the minus strand). VCF-style: chr16-89305272-G-A. GRCh37 (hg19) VCF-style: chr16-89371680-G-A.
Other names: c.160C>T, p.Arg54Ter (NM_001256182.2, NM_001256183.2); c.160C>T (NM_013275.4); short protein forms R54*.
Identifiers: ClinVar variation 546032 (VCV000546032.18), dbSNP rs749607205, ClinGen allele CA397164189.
Genomic context (GRCh38, chr16:89,305,272, plus strand): 5'-CCGAGTCCTTCTGCTCCCCATTGGCGCCCGCGGTGAAGGGCAGCTTCCGCTTGCTGGCTC[G>A]CTCCCTCACCTCCTTCCCGCCATCGCCACGCTCCAGTTTTGGGGTCTTGGTTAGAGAAAC-3'